The following is an entry in ClinVar:

ClinVar aggregate classification (germline): Pathogenic. Review status: criteria provided, multiple submitters, no conflicts (2 of 4 stars). 4 submissions from 4 submitters: Pathogenic (4). Last evaluated 2025-07-02.

Conditions:
Inborn genetic diseases. Identifiers: MedGen C0950123, MeSH D030342.
Wiedemann-Steiner syndrome (WDSTS). Also called: Growth deficiency and mental retardation with facial dysmorphism. Identifiers: Orphanet 319182, MedGen C1854630, MONDO:0011518, OMIM 605130.

Submissions (4):

GeneDx
Classification: Pathogenic. Last evaluated: 2025-07-02. Review status: criteria provided, single submitter. Criteria: GeneDx Variant Classification Process June 2021. Collection method: clinical testing. Allele origin: germline. Affected: yes.
Comment: Nonsense variant predicted to result in protein truncation or nonsense mediated decay in a gene for which loss of function is a known mechanism of disease; Not observed at significant frequency in large population cohorts (gnomAD); This variant is associated with the following publications: (PMID: 29574747, 33057194, 35982159)

Greenwood Genetic Center Diagnostic Laboratories, Greenwood Genetic Center
Classification: Pathogenic for Wiedemann-Steiner syndrome. Last evaluated: 2023-10-02. Review status: criteria provided, single submitter. Criteria: ACMG Guidelines, 2015. Collection method: clinical testing. Allele origin: germline. Affected: yes.
Comment: PVS1, PS2, PM2, PS4_supporting

3billion
Classification: Pathogenic for Wiedemann-Steiner syndrome. Last evaluated: 2023-06-02. Review status: criteria provided, single submitter. Criteria: ACMG Guidelines, 2015. Collection method: clinical testing. Allele origin: germline. Affected: yes.
Comment: The variant is not observed in the gnomAD v2.1.1 dataset. Predicted Consequence/Location: Stop-gained (nonsense): predicted to result in a loss or disruption of normal protein function through nonsense-mediated decay (NMD) or protein truncation. Multiple pathogenic variants are reported downstream of the variant. The variant has been previously reported as de novo in a similarly affected individual (PMID: 29574747). The variant has been reported at least twice as pathogenic without evidence for the classification (ClinVar ID: VCV000450062 /PMID: 29574747). Therefore, this variant is classified as Pathogenic according to the recommendation of ACMG/AMP guideline.

Ambry Genetics
Classification: Pathogenic for Inborn genetic diseases. Last evaluated: 2018-12-21. Review status: criteria provided, single submitter. Criteria: Ambry exome assertion method (8-5-2015). Collection method: clinical testing. Allele origin: germline. Affected: yes. Observed: 1 variant allele.

Literature cited by the submitters: PubMed 29574747 (cited by 3billion and Ambry Genetics).

NM_001197104.2(KMT2A):c.6487C>T (p.Arg2163Ter)

Gene: KMT2A (lysine methyltransferase 2A; plus strand). Cytogenetic location: 11q23.3.
Variant type: single nucleotide variant.
Coding change: c.6487C>T on transcript NM_001197104.2 (MANE Select); coding-DNA position 6487, C replaced by T.
Protein change: p.Arg2163Ter; replaces arginine 2163 with a stop codon.
Molecular consequence: nonsense.
Genome position (GRCh38, 1-based): chr11:118,501,839, C>T. VCF-style: chr11-118501839-C-T. GRCh37 (hg19) VCF-style: chr11-118372554-C-T.
Other names: c.6478C>T, p.Arg2160Ter (NM_005933.4); short protein forms R2163*, R2160*.
Identifiers: ClinVar variation 450062 (VCV000450062.8), dbSNP rs1555045816, ClinGen allele CA382802007.